The following is an entry in ClinVar:

ClinVar aggregate classification (germline): Pathogenic (1 of 4 stars; one submission).

Conditions:
LAMA2-related muscular dystrophy (LAMA2-RD). Also called: Laminin alpha 2-related dystrophy. Identifiers: MedGen C5679788, MONDO:0100228.

Allele frequency attached by ClinVar (database versions not stated): gnomAD exomes below 0.00001.
gnomAD v4.1: 1 of 1,614,200 alleles (0.000062%); highest among the groups gnomAD compares: Non-Finnish European, 0.000085%; no homozygotes.

Submission:

Labcorp Genetics (formerly Invitae), Labcorp
Classification: Pathogenic for LAMA2-related muscular dystrophy. Last evaluated: 2023-09-15. Review status: criteria provided, single submitter. Criteria: Invitae Variant Classification Sherloc (09022015). Collection method: clinical testing. Allele origin: germline.
Comment: This missense change has been observed in individual(s) with clinical features of congenital muscular dystrophy (PMID: 28445022; Invitae). In at least one individual the data is consistent with being in trans (on the opposite chromosome) from a pathogenic variant. It has also been observed to segregate with disease in related individuals. For these reasons, this variant has been classified as Pathogenic. Advanced modeling of protein sequence and biophysical properties (such as structural, functional, and spatial information, amino acid conservation, physicochemical variation, residue mobility, and thermodynamic stability) has been performed at Invitae for this missense variant, however the output from this modeling did not meet the statistical confidence thresholds required to predict the impact of this variant on LAMA2 protein function. This variant is not present in population databases (gnomAD no frequency). This sequence change replaces cysteine, which is neutral and slightly polar, with arginine, which is basic and polar, at codon 2909 of the LAMA2 protein (p.Cys2909Arg).

Literature cited by the submitters: PubMed 28445022.

NM_000426.4(LAMA2):c.8725T>C (p.Cys2909Arg)

Gene: LAMA2 (laminin subunit alpha 2; plus strand). Cytogenetic location: 6q22.33.
Variant type: single nucleotide variant.
Coding change: c.8725T>C on transcript NM_000426.4 (MANE Select); coding-DNA position 8725, T replaced by C.
Protein change: p.Cys2909Arg; replaces cysteine 2909 with arginine.
Molecular consequence: missense variant.
Genome position (GRCh38, 1-based): chr6:129,507,510, T>C. VCF-style: chr6-129507510-T-C. GRCh37 (hg19) VCF-style: chr6-129828655-T-C.
Other names: c.8713T>C, p.Cys2905Arg (NM_001079823.2); short protein forms C2909R, C2905R.
Identifiers: ClinVar variation 2734952 (VCV002734952.3), dbSNP rs2533562422, ClinGen allele CA365635480.